The following is an entry in ClinVar:

NM_005327.7(HADH):c.261+2T>A

Gene: HADH (hydroxyacyl-CoA dehydrogenase; plus strand). Cytogenetic location: 4q25.
Variant type: single nucleotide variant.
Coding change: c.261+2T>A on transcript NM_005327.7 (MANE Select); the canonical splice donor site of the intron after coding-DNA position 261, T replaced by A.
Molecular consequence: splice donor variant.
Genome position (GRCh38, 1-based): chr4:108,009,889, T>A. VCF-style: chr4-108009889-T-A. GRCh37 (hg19) VCF-style: chr4-108931045-T-A.
Other names: c.261+2T>A (NM_001184705.4); c.273+2T>A (NM_001331027.2).
Identifiers: ClinVar variation 2874131 (VCV002874131.3), dbSNP rs2477200274, ClinGen allele CA357830906.

ClinVar aggregate classification (germline): Likely pathogenic (1 of 4 stars; one submission).

Conditions:
Deficiency of 3-hydroxyacyl-CoA dehydrogenase. Also called: 3-hydroxyacyl-CoA dehydrogenase deficiency; HADH DEFICIENCY. Identifiers: Orphanet 309127, Orphanet 71212, MedGen C1291230, MONDO:0017715, OMIM 231530.

Submission:

Labcorp Genetics (formerly Invitae), Labcorp
Classification: Likely pathogenic for Deficiency of 3-hydroxyacyl-CoA dehydrogenase. Last evaluated: 2023-12-20. Review status: criteria provided, single submitter. Criteria: Invitae Variant Classification Sherloc (09022015). Collection method: clinical testing. Allele origin: germline.
Comment: This sequence change affects a donor splice site in intron 2 of the HADH gene. It is expected to disrupt RNA splicing. Variants that disrupt the donor or acceptor splice site typically lead to a loss of protein function (PMID: 16199547), and loss-of-function variants in HADH are known to be pathogenic (PMID: 8825408). This variant is not present in population databases (gnomAD no frequency). This variant has not been reported in the literature in individuals affected with HADH-related conditions. Algorithms developed to predict the effect of sequence changes on RNA splicing suggest that this variant may disrupt the consensus splice site. In summary, the currently available evidence indicates that the variant is pathogenic, but additional data are needed to prove that conclusively. Therefore, this variant has been classified as Likely Pathogenic.

Literature cited by the submitters: PubMed 16199547; PubMed 8825408.